The following is an entry in ClinVar:

NM_001388453.1(QRICH2):c.5344C>T (p.Arg1782Ter)

Gene: QRICH2 (glutamine rich 2; minus strand). Cytogenetic location: 17q25.1.
Variant type: single nucleotide variant.
Coding change: c.5344C>T on transcript NM_001388453.1 (MANE Select); coding-DNA position 5344, C replaced by T.
Protein change: p.Arg1782Ter; replaces arginine 1782 with a stop codon.
Molecular consequence: nonsense. On other transcripts: non-coding transcript variant (1).
Genome position (GRCh38, 1-based): chr17:76,276,689, G>A on the plus strand (C>T on the coding strand, the complement: QRICH2 is on the minus strand). VCF-style: chr17-76276689-G-A. GRCh37 (hg19) VCF-style: chr17-74272770-G-A.
Other names: c.5344C>T, p.Arg1782Ter (NM_032134.3); short protein forms R1782*.
Identifiers: ClinVar variation 4980858 (VCV004980858.1).

ClinVar aggregate classification (germline): Likely pathogenic (1 of 4 stars; one submission).

Conditions:
QRICH2-related disorder. Also called: QRICH2-related condition.

Submission:

PreventionGenetics, part of Exact Sciences
Classification: Likely pathogenic for QRICH2-related condition. Last evaluated: 2026-08-28. Review status: criteria provided, single submitter. Criteria: ACMG Guidelines, 2015. Collection method: clinical testing. Allele origin: germline.
Comment: The QRICH2 c.4846C>T variant is predicted to result in premature protein termination (p.Arg1616*). To our knowledge, this variant has not been reported in the literature. This variant is reported in 0.19% of alleles in individuals of African descent in gnomAD. Nonsense variants in QRICH2 are expected to be pathogenic. This variant is interpreted as likely pathogenic.